The following is an entry in ClinVar:

NM_000216.4(ANOS1):c.1704C>A (p.His568Gln)

Gene: ANOS1 (anosmin 1; minus strand). Cytogenetic location: Xp22.31.
Variant type: single nucleotide variant.
Coding change: c.1704C>A on transcript NM_000216.4 (MANE Select); coding-DNA position 1704, C replaced by A.
Protein change: p.His568Gln; replaces histidine 568 with glutamine.
Molecular consequence: missense variant.
Genome position (GRCh38, 1-based): chrX:8,535,729, G>T on the plus strand (C>A on the coding strand, the complement: ANOS1 is on the minus strand). VCF-style: chrX-8535729-G-T. GRCh37 (hg19) VCF-style: chrX-8503770-G-T.
Other names: c.1704C>A (NM_000216.2); short protein forms H568Q.
Identifiers: ClinVar variation 2439132 (VCV002439132.4), dbSNP rs1929579074, ClinGen allele CA411987228.

ClinVar aggregate classification (germline): Uncertain significance. Review status: criteria provided, multiple submitters, no conflicts (2 of 4 stars). 2 submissions from 2 submitters: Uncertain significance (2). Last evaluated 2025-06-04.

Conditions:
Hypogonadotropic hypogonadism 1 with or without anosmia (HH1). Also called: DYSPLASIA OLFACTOGENITALIS OF DE MORSIER; KAL1-Related GnRH Deficiency (Kallmann Syndrome 1; Kallmann Syndrome, X-Linked); HYPOGONADOTROPIC HYPOGONADISM 1 WITH ANOSMIA; HYPOGONADOTROPIC HYPOGONADISM AND ANOSMIA; Kallmann syndrome, type 1, X-linked; Hypogonadotropic hypogonadism 1 with or without anosmia (Kallmann syndrome 1). Identifiers: Orphanet 478, MedGen C1563719, MONDO:0010635, OMIM 308700. Disease mechanism: loss of function.

Allele frequency attached by ClinVar (database versions not stated): gnomAD exomes 0.00001.
gnomAD v4.1: 7 of 1,211,874 alleles (0.00058%); highest among the groups gnomAD compares: East Asian, 0.021%; no homozygotes.

Submissions (2):

Revvity Omics, Revvity
Classification: Uncertain significance for Hypogonadotropic hypogonadism 1 with or without anosmia. Last evaluated: 2025-06-04. Review status: criteria provided, single submitter. Criteria: ACMG Guidelines, 2015. Collection method: clinical testing. Allele origin: germline.

GeneDx
Classification: Uncertain significance. Last evaluated: 2025-04-23. Review status: criteria provided, single submitter. Criteria: GeneDx Variant Classification Process June 2021. Collection method: clinical testing. Allele origin: germline. Affected: yes.
Comment: Not observed at significant frequency in large population cohorts (gnomAD); In silico analysis indicates that this missense variant does not alter protein structure/function; This variant is associated with the following publications: (PMID: 27081504)